The following is an entry in ClinVar:

ClinVar aggregate classification (germline): Uncertain significance (1 of 4 stars; one submission).

Conditions:
Cardiovascular phenotype. Identifiers: MedGen CN230736.

gnomAD v4.1: 14 of 1,548,664 alleles (0.0009%); highest among the groups gnomAD compares: Middle Eastern, 0.017%; 1 homozygote.

Submission:

Ambry Genetics
Classification: Uncertain significance for Cardiovascular phenotype. Last evaluated: 2024-08-19. Review status: criteria provided, single submitter. Criteria: Ambry Variant Classification Scheme 2023. Collection method: clinical testing. Allele origin: germline.
Comment: The p.S502R variant (also known as c.1504A>C), located in coding exon 1 of the ZNF469 gene, results from an A to C substitution at nucleotide position 1504. The serine at codon 502 is replaced by arginine, an amino acid with dissimilar properties. This amino acid position is conserved. In addition, this alteration is predicted to be tolerated by in silico analysis. Based on the available evidence, the clinical significance of this variant remains unclear.

NM_001367624.2(ZNF469):c.1504A>C (p.Ser502Arg)

Gene: ZNF469 (zinc finger protein 469; plus strand). Cytogenetic location: 16q24.2.
Variant type: single nucleotide variant.
Coding change: c.1504A>C on transcript NM_001367624.2 (MANE Select); coding-DNA position 1504, A replaced by C.
Protein change: p.Ser502Arg; replaces serine 502 with arginine.
Molecular consequence: missense variant.
Genome position (GRCh38, 1-based): chr16:88,428,974, A>C. VCF-style: chr16-88428974-A-C. GRCh37 (hg19) VCF-style: chr16-88495382-A-C.
Other names: NM_001127464.1:c.1504A>C; short protein forms S502R.
Identifiers: ClinVar variation 3476188 (VCV003476188.1).